The following is an entry in ClinVar:

ClinVar aggregate classification (germline): Uncertain significance (1 of 4 stars; one submission).

Conditions:
Early-infantile DEE. Also called: Ohtahara syndrome; Early infantile epileptic encephalopathy with suppression bursts; Early infantile epileptic encephalopathy. Identifiers: Orphanet 1934, MedGen C0393706, MONDO:0800491.

Submission:

Labcorp Genetics (formerly Invitae), Labcorp
Classification: Uncertain significance for Early-infantile DEE. Last evaluated: 2024-04-22. Review status: criteria provided, single submitter. Criteria: Invitae Variant Classification Sherloc (09022015). Collection method: clinical testing. Allele origin: germline.
Comment: This sequence change replaces aspartic acid, which is acidic and polar, with histidine, which is basic and polar, at codon 1810 of the SCN8A protein (p.Asp1810His). This variant is not present in population databases (gnomAD no frequency). This variant has not been reported in the literature in individuals affected with SCN8A-related conditions. Advanced modeling of protein sequence and biophysical properties (such as structural, functional, and spatial information, amino acid conservation, physicochemical variation, residue mobility, and thermodynamic stability) performed at Invitae indicates that this missense variant is expected to disrupt SCN8A protein function with a positive predictive value of 95%. In summary, the available evidence is currently insufficient to determine the role of this variant in disease. Therefore, it has been classified as a Variant of Uncertain Significance.

NM_001330260.2(SCN8A):c.5428G>C (p.Asp1810His)

Gene: SCN8A (sodium voltage-gated channel alpha subunit 8; plus strand). Cytogenetic location: 12q13.13.
Variant type: single nucleotide variant.
Coding change: c.5428G>C on transcript NM_001330260.2 (MANE Select); coding-DNA position 5428, G replaced by C.
Protein change: p.Asp1810His; replaces aspartic acid 1810 with histidine.
Molecular consequence: missense variant.
Genome position (GRCh38, 1-based): chr12:51,806,914, G>C. VCF-style: chr12-51806914-G-C. GRCh37 (hg19) VCF-style: chr12-52200698-G-C.
Other names: c.5305G>C, p.Asp1769His (NM_001177984.3, NM_001369788.1); c.5428G>C, p.Asp1810His (NM_014191.4); short protein forms D1810H, D1769H.
Identifiers: ClinVar variation 2702453 (VCV002702453.3), dbSNP rs2540335106, ClinGen allele CA384886095.